The following is an entry in ClinVar:

NM_206933.4(USH2A):c.7594+1G>A

Gene: USH2A (usherin; minus strand). Cytogenetic location: 1q41.
Variant type: single nucleotide variant.
Coding change: c.7594+1G>A on transcript NM_206933.4 (MANE Select); the canonical splice donor site of the intron after coding-DNA position 7594, G replaced by A.
Molecular consequence: splice donor variant.
Genome position (GRCh38, 1-based): chr1:215,900,074, C>T on the plus strand (G>A on the coding strand, the complement: USH2A is on the minus strand). VCF-style: chr1-215900074-C-T. GRCh37 (hg19) VCF-style: chr1-216073416-C-T.
Identifiers: ClinVar variation 2679574 (VCV002679574.3), dbSNP rs1558151466, ClinGen allele CA344846871.
Genomic context (GRCh38, chr1:215,900,074, plus strand): 5'-GAAGACATTTTAAGCTCCCTATGTAGAAGACATTTGGCTGTGTATTGTTCAGACCACTTA[C>T]TGTCCTCTGCGGTCATGAATGGAATCCAAGAACTATGTGCACTGCCAAATCCATTGGAGG-3'

ClinVar aggregate classification (germline): Pathogenic/Likely pathogenic. Review status: criteria provided, multiple submitters, no conflicts (2 of 4 stars). 3 submissions from 3 submitters: Pathogenic (1); Likely pathogenic (2). Last evaluated 2024-04-04.

Conditions:
Usher syndrome. Also called: Usher Syndromes; Usher's syndrome. Identifiers: Orphanet 886, MedGen CN469326, MeSH D052245, MONDO:0019501. Disease mechanism: loss of function.
Retinitis pigmentosa 39 (RP39). Identifiers: Orphanet 791, MedGen C3151138, MONDO:0013436, OMIM 613809.
Usher syndrome type 2A. Also called: RETINAL DISEASE IN USHER SYNDROME TYPE IIA, MODIFIER OF; USHER SYNDROME, TYPE IIA. Identifiers: Orphanet 231178, Orphanet 886, MedGen C1848634, MONDO:0010169, OMIM 276901.

Submissions (3):

Fulgent Genetics
Classification: Likely pathogenic for Usher syndrome type 2A; Retinitis pigmentosa 39. Last evaluated: 2024-04-04. Review status: criteria provided, single submitter. Criteria: ACMG Guidelines, 2015. Collection method: clinical testing. Allele origin: germline.

Women's Health and Genetics/Laboratory Corporation of America, LabCorp
Classification: Likely pathogenic for Usher syndrome. Last evaluated: 2024-04-02. Review status: criteria provided, single submitter. Criteria: LabCorp Variant Classification Summary - May 2015. Collection method: clinical testing. Allele origin: germline.
Comment: Variant summary: USH2A c.7594+1G>A is located in a canonical splice-site and is predicted to affect mRNA splicing resulting in a significantly altered protein due to either exon skipping, shortening, or inclusion of intronic material. Several computational tools predict a significant impact on normal splicing: Four predict the variant abolishes a canonical 5' splicing donor site. However, these predictions have yet to be confirmed by functional studies. The variant allele was found at a frequency of 4e-06 in 250816 control chromosomes (gnomAD). c.7594+1G>A has been reported in the literature in at-least one individual affected with inherited retinal disease (IRD) (example: Gao_2021). To our knowledge, no experimental evidence demonstrating an impact on protein function has been reported. The following publications have been ascertained in the context of this evaluation (PMID: 32188678, 36110214, 29625443). ClinVar contains an entry for this variant (Variation ID: 2679574). Based on the evidence outlined above, the variant was classified as likely pathogenic.

Baylor Genetics
Classification: Pathogenic for Retinitis pigmentosa 39. Last evaluated: 2021-12-20. Review status: criteria provided, single submitter. Criteria: ACMG Guidelines, 2015. Collection method: clinical testing. Allele origin: unknown.

Literature cited by the submitters: PubMed 32188678 (cited by Women's Health and Genetics/Laboratory Corporation of America, LabCorp); PubMed 29625443 (cited by Women's Health and Genetics/Laboratory Corporation of America, LabCorp); PubMed 36110214 (cited by Women's Health and Genetics/Laboratory Corporation of America, LabCorp).